The following is an entry in ClinVar:

NM_002878.4(RAD51D):c.668-17T>C

Genes: RAD51D (RAD51 paralog D; minus strand), RAD51L3-RFFL (RAD51L3-RFFL readthrough; minus strand). Cytogenetic location: 17q12.
Variant type: single nucleotide variant.
Coding change: c.668-17T>C on transcript NM_002878.4 (MANE Select); 17 bases into the intron before coding-DNA position 668, T replaced by C.
Molecular consequence: intron variant.
Genome position (GRCh38, 1-based): chr17:35,103,341, A>G on the plus strand (T>C on the coding strand, the complement: RAD51D is on the minus strand). VCF-style: chr17-35103341-A-G. GRCh37 (hg19) VCF-style: chr17-33430360-A-G.
Other names: c.332-17T>C (NM_133629.3); c.728-17T>C (NM_001142571.2).
Identifiers: ClinVar variation 1534931 (VCV001534931.9), dbSNP rs2142419026, ClinGen allele CA2573153490.

ClinVar aggregate classification (germline): Likely benign. Review status: criteria provided, multiple submitters, no conflicts (2 of 4 stars). 2 submissions from 2 submitters: Likely benign (2). Last evaluated 2025-05-07.

Conditions:
Breast-ovarian cancer, familial, susceptibility to, 4. Identifiers: Orphanet 145, MedGen C3280345, MONDO:0013669, OMIM 614291.

Submissions (2):

Labcorp Genetics (formerly Invitae), Labcorp
Classification: Likely benign for Breast-ovarian cancer, familial, susceptibility to, 4. Last evaluated: 2025-05-07. Review status: criteria provided, single submitter. Criteria: Invitae Variant Classification Sherloc (09022015). Collection method: clinical testing. Allele origin: germline.

Myriad Genetics, Inc.
Classification: Likely benign for Breast-ovarian cancer, familial, susceptibility to, 4. Last evaluated: 2025-02-24. Review status: criteria provided, single submitter. Criteria: Myriad Autosomal Dominant, Autosomal Recessive and X-Linked Classification Criteria (2023). Collection method: clinical testing. Allele origin: unknown.
Comment: This variant is considered likely benign. This variant is intronic and is not expected to impact mRNA splicing.